The following is an entry in ClinVar:

NM_015910.7(WDPCP):c.1153T>C (p.Cys385Arg)

Gene: WDPCP (WD repeat containing planar cell polarity effector; minus strand). Cytogenetic location: 2p15.
Variant type: single nucleotide variant.
Coding change: c.1153T>C on transcript NM_015910.7 (MANE Select); coding-DNA position 1153, T replaced by C.
Protein change: p.Cys385Arg; replaces cysteine 385 with arginine.
Molecular consequence: missense variant. On other transcripts: non-coding transcript variant (3).
Genome position (GRCh38, 1-based): chr2:63,404,330, A>G on the plus strand (T>C on the coding strand, the complement: WDPCP is on the minus strand). VCF-style: chr2-63404330-A-G. GRCh37 (hg19) VCF-style: chr2-63631465-A-G.
Other names: c.676T>C, p.Cys226Arg (NM_001042692.3); c.1081T>C, p.Cys361Arg (NM_001354044.2); c.1153T>C, p.Cys385Arg (NM_001354045.2); short protein forms C226R, C361R, C385R.
Identifiers: ClinVar variation 3346938 (VCV003346938.2).
Genomic context (GRCh38, chr2:63,404,330, plus strand): 5'-CAAAAATTTGCAACTCCCCTTGGTTGCTGCCAACTAGCAGAATGGCACCACTTGGGTGGC[A>G]GCTTATTAATGAAGGCAAAAGTTCAGTCTGTGCTAAGAGAGTCACTCTACGGTGAGTTTC-3'
Protein context (NP_056994.3, residues 375-395): QTELLPSLIS[Cys385Arg]HPSGAILLVG

ClinVar aggregate classification (germline): Uncertain significance. Review status: criteria provided, single submitter (1 of 4 stars). 2 submissions from 2 submitters: Uncertain significance (1). 1 of the submissions does not count toward it. Last evaluated 2025-04-04.

Conditions:
Inborn genetic diseases. Identifiers: MedGen C0950123, MeSH D030342.
WDPCP-related disorder. Also called: WDPCP-related condition.

Submissions (2):

Ambry Genetics
Classification: Uncertain significance for Inborn genetic diseases. Last evaluated: 2025-04-04. Review status: criteria provided, single submitter. Criteria: Ambry Variant Classification Scheme 2023. Collection method: clinical testing. Allele origin: germline.

PreventionGenetics, part of Exact Sciences
Classification: Uncertain significance for WDPCP-related condition. Last evaluated: 2024-07-17. Review status: no assertion criteria provided. Collection method: clinical testing. Allele origin: germline. Not counted in ClinVar's aggregate classification.
Comment: The WDPCP c.1153T>C variant is predicted to result in the amino acid substitution p.Cys385Arg. To our knowledge, this variant has not been reported in the literature or in a large population database, indicating this variant is rare. At this time, the clinical significance of this variant is uncertain due to the absence of conclusive functional and genetic evidence.